The following is an entry in ClinVar:

ClinVar aggregate classification (germline): Benign. Review status: criteria provided, multiple submitters, no conflicts (2 of 4 stars). 9 submissions from 9 submitters: Benign (8). 1 of the submissions does not count toward it. Last evaluated 2026-02-02.

Conditions:
Primary ciliary dyskinesia 9. Also called: CILIARY DYSKINESIA, PRIMARY, 9, WITH OR WITHOUT SITUS INVERSUS. Identifiers: Orphanet 244, MedGen C2676235, MONDO:0012906, OMIM 612444.
Primary ciliary dyskinesia. Also called: Ciliary dyskinesia. Identifiers: Orphanet 244, MedGen C0008780, MONDO:0016575, HP:0012265.

Allele frequency attached by ClinVar (database versions not stated): ExAC 0.01534; gnomAD 0.04541 and 0.04853; TOPMed 0.05224; ESP Exome Variant Server 0.05436; 1000 Genomes Project 0.05471; 1000 Genomes Project 30x 0.05918.
gnomAD v4.1: 13,891 of 1,614,122 alleles (0.86%); highest among the groups gnomAD compares: African/African-American, 16%; 996 homozygotes.

Submissions (9):

Labcorp Genetics (formerly Invitae), Labcorp
Classification: Benign for Primary ciliary dyskinesia. Last evaluated: 2026-02-02. Review status: criteria provided, single submitter. Criteria: Invitae Variant Classification Sherloc (09022015). Collection method: clinical testing. Allele origin: germline.

Mayo Clinic Laboratories, Mayo Clinic
Classification: Benign. Last evaluated: 2024-01-14. Review status: criteria provided, single submitter. Criteria: ACMG Guidelines, 2015. Collection method: clinical testing. Allele origin: germline. Observed: 5 variant alleles.

GeneDx
Classification: Benign. Last evaluated: 2018-12-31. Review status: criteria provided, single submitter. Criteria: GeneDx Variant Classification Process June 2021. Collection method: clinical testing. Allele origin: germline. Affected: yes.

Illumina Laboratory Services, Illumina
Classification: Benign for Primary ciliary dyskinesia 9. Last evaluated: 2018-01-12. Review status: criteria provided, single submitter. Criteria: ICSL Variant Classification Criteria 13 December 2019. Collection method: clinical testing. Allele origin: germline.
Comment: This variant was observed in the ICSL laboratory as part of a predisposition screen in an ostensibly healthy population. It had not been previously curated by ICSL or reported in the Human Gene Mutation Database (HGMD: prior to June 1st, 2018), and was therefore a candidate for classification through an automated scoring system. Utilizing variant allele frequency, disease prevalence and penetrance estimates, and inheritance mode, an automated score was calculated to assess if this variant is too frequent to cause the disease. Based on the score and internal cut-off values, a variant classified as benign is not then subjected to further curation. The score for this variant resulted in a classification of benign for this disease.

Ambry Genetics
Classification: Benign for Primary ciliary dyskinesia. Last evaluated: 2014-12-15. Review status: criteria provided, single submitter. Criteria: Ambry Variant Classification Scheme 2023. Collection method: clinical testing. Allele origin: germline.

Laboratory for Molecular Medicine, Mass General Brigham Personalized Medicine
Classification: Benign. Last evaluated: 2013-02-21. Review status: criteria provided, single submitter. Criteria: LMM Criteria. Collection method: clinical testing. Allele origin: germline. Observed: 1 variant allele.
Comment: Thr351Thr in exon 9 of DNAI2: This variant is not expected to have clinical sign ificance because it does not alter an amino acid residue and is not located with in the splice consensus sequence. It has been identified in 15.8% (695/4406) of African American chromosomes from a broad population by the NHLBI Exome Sequenci ng Project (dbSNP rs34392071).

Breakthrough Genomics
Classification: Benign. Review status: criteria provided, single submitter. Criteria: ACMG Guidelines, 2015. Collection method: not provided. Allele origin: germline. Inheritance: Autosomal recessive inheritance. Affected: yes.

PreventionGenetics, part of Exact Sciences
Classification: Benign. Review status: criteria provided, single submitter. Criteria: ACMG Guidelines, 2015. Collection method: clinical testing. Allele origin: germline.

Natera, Inc.
Classification: Benign for Primary ciliary dyskinesia. Last evaluated: 2020-09-16. Review status: no assertion criteria provided. Collection method: clinical testing. Allele origin: germline. Not counted in ClinVar's aggregate classification.

NM_023036.6(DNAI2):c.1053G>A (p.Thr351=)

Gene: DNAI2 (dynein axonemal intermediate chain 2; plus strand). Cytogenetic location: 17q25.1.
Variant type: single nucleotide variant.
Coding change: c.1053G>A on transcript NM_023036.6 (MANE Select); coding-DNA position 1053, G replaced by A.
Protein change: p.Thr351=; no amino-acid change (threonine 351 retained).
Molecular consequence: synonymous variant. On other transcripts: non-coding transcript variant (1).
Genome position (GRCh38, 1-based): chr17:74,305,284, G>A. VCF-style: chr17-74305284-G-A. GRCh37 (hg19) VCF-style: chr17-72301423-G-A.
Other names: p.Thr351=; c.1053G>A, p.Thr351= (NM_001172810.3, NM_001353167.2).
Identifiers: ClinVar variation 261638 (VCV000261638.26), dbSNP rs34392071, ClinGen allele CA8745598.